The following is an entry in ClinVar:

NM_001036.6(RYR3):c.4678C>T (p.His1560Tyr)

Gene: RYR3 (ryanodine receptor 3; plus strand). Cytogenetic location: 15q14.
Variant type: single nucleotide variant.
Coding change: c.4678C>T on transcript NM_001036.6 (MANE Select); coding-DNA position 4678, C replaced by T.
Protein change: p.His1560Tyr; replaces histidine 1560 with tyrosine.
Molecular consequence: missense variant.
Genome position (GRCh38, 1-based): chr15:33,662,208, C>T. VCF-style: chr15-33662208-C-T. GRCh37 (hg19) VCF-style: chr15-33954409-C-T.
Other names: c.4678C>T, p.His1560Tyr (NM_001243996.4); short protein forms H1560Y.
Identifiers: ClinVar variation 948100 (VCV000948100.9), dbSNP rs778637615, ClinGen allele CA391568490.

ClinVar aggregate classification (germline): Uncertain significance (1 of 4 stars; one submission).

Conditions:
Epileptic encephalopathy. Identifiers: MedGen C0543888, HP:0200134.

Allele frequency attached by ClinVar (database versions not stated): gnomAD 0.00001; TOPMed 0.00001.
gnomAD v4.1: 2 of 1,607,994 alleles (0.00012%); highest among the groups gnomAD compares: Admixed American, 0.0017%; no homozygotes.

Submission:

Labcorp Genetics (formerly Invitae), Labcorp
Classification: Uncertain significance for Epileptic encephalopathy. Last evaluated: 2019-07-02. Review status: criteria provided, single submitter. Criteria: Invitae Variant Classification Sherloc (09022015). Collection method: clinical testing. Allele origin: germline.
Comment: Algorithms developed to predict the effect of missense changes on protein structure and function (SIFT, PolyPhen-2, Align-GVGD) all suggest that this variant is likely to be disruptive, but these predictions have not been confirmed by published functional studies and their clinical significance is uncertain. This sequence change replaces histidine with tyrosine at codon 1560 of the RYR3 protein (p.His1560Tyr). The histidine residue is highly conserved and there is a moderate physicochemical difference between histidine and tyrosine. This variant is not present in population databases (ExAC no frequency). This variant has not been reported in the literature in individuals with RYR3-related conditions. In summary, the available evidence is currently insufficient to determine the role of this variant in disease. Therefore, it has been classified as a Variant of Uncertain Significance.